The following is an entry in ClinVar:

NM_000311.5(PRNP):c.*682A>G

Gene: PRNP (prion protein (Kanno blood group); plus strand). Cytogenetic location: 20p13.
Variant type: single nucleotide variant.
Coding change: c.*682A>G on transcript NM_000311.5 (MANE Select); 682 bases downstream of the stop codon, A replaced by G.
Molecular consequence: 3 prime UTR variant.
Genome position (GRCh38, 1-based): chr20:4,700,664, A>G. VCF-style: chr20-4700664-A-G. GRCh37 (hg19) VCF-style: chr20-4681310-A-G.
Other names: c.*682A>G (NM_001080121.3, NM_001080122.3, NM_001080123.3 and 1 more transcripts); c.*1133A>G (NM_001271561.3).
Identifiers: ClinVar variation 338663 (VCV000338663.6), dbSNP rs7274758, ClinGen allele CA10652592.

ClinVar aggregate classification (germline): Benign. Review status: criteria provided, multiple submitters, no conflicts (2 of 4 stars). 2 submissions from 2 submitters: Benign (2). Last evaluated 2019-10-28.

Conditions:
Inherited prion disease. Identifiers: Orphanet 280400, MedGen C5679775, MONDO:0017234.

Allele frequency attached by ClinVar (database versions not stated): gnomAD exomes 0.01472; 1000 Genomes Project 0.04133; gnomAD 0.04342 and 0.04539; 1000 Genomes Project 30x 0.04357; TOPMed 0.04736.
gnomAD v4.1: 6,980 of 178,038 alleles (3.9%); highest among the groups gnomAD compares: African/African-American, 8.9%; 221 homozygotes.

Submissions (2):

GeneDx
Classification: Benign. Last evaluated: 2019-10-28. Review status: criteria provided, single submitter. Criteria: GeneDx Variant Classification Process June 2021. Collection method: clinical testing. Allele origin: germline. Affected: yes.

Illumina Laboratory Services, Illumina
Classification: Benign for Genetic prion diseases. Last evaluated: 2018-01-12. Review status: criteria provided, single submitter. Criteria: ICSL Variant Classification Criteria 13 December 2019. Collection method: clinical testing. Allele origin: germline.
Comment: This variant was observed in the ICSL laboratory as part of a predisposition screen in an ostensibly healthy population. It had not been previously curated by ICSL or reported in the Human Gene Mutation Database (HGMD: prior to June 1st, 2018), and was therefore a candidate for classification through an automated scoring system. Utilizing variant allele frequency, disease prevalence and penetrance estimates, and inheritance mode, an automated score was calculated to assess if this variant is too frequent to cause the disease. Based on the score and internal cut-off values, a variant classified as benign is not then subjected to further curation. The score for this variant resulted in a classification of benign for this disease.